The following is an entry in ClinVar:

ClinVar aggregate classification (germline): Uncertain significance (1 of 4 stars; one submission).

Allele frequency attached by ClinVar (database versions not stated): ExAC 0.00001; gnomAD 0.00001; ESP Exome Variant Server 0.00008.
gnomAD v4.1: 3 of 1,613,822 alleles (0.00019%); highest among the groups gnomAD compares: South Asian, 0.0011%; no homozygotes.

Submission:

GeneDx
Classification: Uncertain significance. Last evaluated: 2023-03-16. Review status: criteria provided, single submitter. Criteria: GeneDx Variant Classification Process June 2021. Collection method: clinical testing. Allele origin: germline. Affected: yes.
Comment: Canonical splice site variant expected to result in aberrant splicing, although in the absence of functional evidence the actual effect of this sequence change is unknown.; Has not been previously published as pathogenic or benign to our knowledge

NM_005529.7(HSPG2):c.4955+1G>A

Gene: HSPG2 (heparan sulfate proteoglycan 2; minus strand). Cytogenetic location: 1p36.12.
Variant type: single nucleotide variant.
Coding change: c.4955+1G>A on transcript NM_005529.7 (MANE Select); the canonical splice donor site of the intron after coding-DNA position 4955, G replaced by A.
Molecular consequence: splice donor variant.
Genome position (GRCh38, 1-based): chr1:21,861,756, C>T on the plus strand (G>A on the coding strand, the complement: HSPG2 is on the minus strand). VCF-style: chr1-21861756-C-T. GRCh37 (hg19) VCF-style: chr1-22188249-C-T.
Other names: c.4958+1G>A (NM_001291860.2).
Identifiers: ClinVar variation 2579774 (VCV002579774.1), dbSNP rs139944523, ClinGen allele CA672111.